The following is an entry in ClinVar:

NM_001843.4(CNTN1):c.496+166T>C

Gene: CNTN1 (contactin 1; plus strand). Cytogenetic location: 12q12.
Variant type: single nucleotide variant.
Coding change: c.496+166T>C on transcript NM_001843.4 (MANE Select); 166 bases into the intron after coding-DNA position 496, T replaced by C.
Molecular consequence: intron variant.
Genome position (GRCh38, 1-based): chr12:40,924,818, T>C. VCF-style: chr12-40924818-T-C. GRCh37 (hg19) VCF-style: chr12-41318620-T-C.
Other names: c.496+166T>C (NM_001256063.2, NM_001256064.2); c.463+166T>C (NM_175038.2).
Identifiers: ClinVar variation 679922 (VCV000679922.1), dbSNP rs2897101, ClinGen allele CA235391301.
Genomic context (GRCh38, chr12:40,924,818, plus strand): 5'-AATTAAATGAGACTGAATATTTGCATACCTTGTAATGTGTCACTAATTGTTGTGGACACT[T>C]TCTTTCTTGGCTCAGTCACCTGGCTCTAGTCCCAAGGATCTCTAATCATTTTAGTTTATA-3'

ClinVar aggregate classification (germline): Benign (1 of 4 stars; one submission).

Allele frequency attached by ClinVar (database versions not stated): 1000 Genomes Project 0.33906; 1000 Genomes Project 30x 0.33994; TOPMed 0.36698; gnomAD 0.36897 and 0.37136.
gnomAD v4.1: 54,086 of 146,584 alleles (37%); highest among the groups gnomAD compares: Middle Eastern, 41%; 10,144 homozygotes.

Submission:

GeneDx
Classification: Benign. Last evaluated: 2018-06-14. Review status: criteria provided, single submitter. Criteria: GeneDx Variant Classification (06012015). Collection method: clinical testing. Allele origin: germline. Affected: yes.
Comment: This variant is considered likely benign or benign based on one or more of the following criteria: it is a conservative change, it occurs at a poorly conserved position in the protein, it is predicted to be benign by multiple in silico algorithms, and/or has population frequency not consistent with disease.